The following is an entry in ClinVar:

ClinVar aggregate classification (germline): Conflicting classifications of pathogenicity. Review status: criteria provided, conflicting classifications (1 of 4 stars). 3 submissions from 3 submitters: Uncertain significance (2); Likely benign (1). Last evaluated 2025-04-30.

Conditions:
Hereditary cancer-predisposing syndrome. Also called: Hereditary neoplastic syndrome; Neoplastic Syndromes, Hereditary; Tumor predisposition; Hereditary Cancer Syndrome. Identifiers: Orphanet 140162, MedGen C0027672, MeSH D009386, MONDO:0015356.
Familial meningioma. Also called: Meningioma, familial, susceptibility to. Identifiers: Orphanet 263662, MedGen C3551915, MONDO:0011789, OMIM 607174.

Allele frequency attached by ClinVar (database versions not stated): gnomAD exomes 0.00001; TOPMed 0.00001; ExAC 0.00002.
gnomAD v4.1: 20 of 1,614,066 alleles (0.0012%); highest among the groups gnomAD compares: Non-Finnish European, 0.0017%; no homozygotes.

Submissions (3):

Labcorp Genetics (formerly Invitae), Labcorp
Classification: Uncertain significance for Familial meningioma. Last evaluated: 2025-04-30. Review status: criteria provided, single submitter. Criteria: Invitae Variant Classification Sherloc (09022015). Collection method: clinical testing. Allele origin: germline.
Comment: This sequence change replaces alanine, which is neutral and non-polar, with valine, which is neutral and non-polar, at codon 311 of the SMARCE1 protein (p.Ala311Val). This variant is present in population databases (rs768536854, gnomAD 0.003%). This variant has not been reported in the literature in individuals affected with SMARCE1-related conditions. ClinVar contains an entry for this variant (Variation ID: 532236). Invitae Evidence Modeling of protein sequence and biophysical properties (such as structural, functional, and spatial information, amino acid conservation, physicochemical variation, residue mobility, and thermodynamic stability) indicates that this missense variant is not expected to disrupt SMARCE1 protein function with a negative predictive value of 80%. In summary, the available evidence is currently insufficient to determine the role of this variant in disease. Therefore, it has been classified as a Variant of Uncertain Significance.

Ambry Genetics
Classification: Likely benign for Hereditary cancer-predisposing syndrome. Last evaluated: 2024-07-24. Review status: criteria provided, single submitter. Criteria: Ambry Variant Classification Scheme 2023. Collection method: clinical testing. Allele origin: germline.

Baylor Genetics
Classification: Uncertain significance for Familial meningioma. Last evaluated: 2023-09-25. Review status: criteria provided, single submitter. Criteria: ACMG Guidelines, 2015. Collection method: clinical testing. Allele origin: unknown.

NM_003079.5(SMARCE1):c.932C>T (p.Ala311Val)

Gene: SMARCE1 (SWI/SNF related BAF chromatin remodeling complex subunit E1; minus strand). Cytogenetic location: 17q21.2.
Variant type: single nucleotide variant.
Coding change: c.932C>T on transcript NM_003079.5 (MANE Select); coding-DNA position 932, C replaced by T.
Protein change: p.Ala311Val; replaces alanine 311 with valine.
Molecular consequence: missense variant.
Genome position (GRCh38, 1-based): chr17:40,630,809, G>A on the plus strand (C>T on the coding strand, the complement: SMARCE1 is on the minus strand). VCF-style: chr17-40630809-G-A. GRCh37 (hg19) VCF-style: chr17-38787061-G-A.
Other names: short protein forms A311V.
Identifiers: ClinVar variation 532236 (VCV000532236.14), dbSNP rs768536854, ClinGen allele CA8545137.